The following is an entry in ClinVar:

ClinVar aggregate classification (germline): Uncertain significance. Review status: criteria provided, multiple submitters, no conflicts (2 of 4 stars). 3 submissions from 3 submitters: Uncertain significance (2). 1 of the submissions does not count toward it. Last evaluated 2023-07-30.

Conditions:
Pseudoachondroplastic spondyloepiphyseal dysplasia syndrome (PSACH). Also called: COMP-Related Pseudoachondroplasia; PSEUDOACHONDROPLASTIC DYSPLASIA; Pseudoachondroplasia. Identifiers: Orphanet 750, MedGen C0410538, MONDO:0008322, OMIM 177170.

Submissions (3):

Labcorp Genetics (formerly Invitae), Labcorp
Classification: Uncertain significance. Last evaluated: 2023-07-30. Review status: criteria provided, single submitter. Criteria: Invitae Variant Classification Sherloc (09022015). Collection method: clinical testing. Allele origin: germline.
Comment: In summary, the available evidence is currently insufficient to determine the role of this variant in disease. Therefore, it has been classified as a Variant of Uncertain Significance. Advanced modeling of protein sequence and biophysical properties (such as structural, functional, and spatial information, amino acid conservation, physicochemical variation, residue mobility, and thermodynamic stability) performed at Invitae indicates that this missense variant is expected to disrupt COMP protein function. ClinVar contains an entry for this variant (Variation ID: 9184). This missense change has been observed in individual(s) with pseudoachondroplasia (PMID: 7670471). This variant is not present in population databases (gnomAD no frequency). This sequence change replaces cysteine, which is neutral and slightly polar, with tyrosine, which is neutral and polar, at codon 468 of the COMP protein (p.Cys468Tyr).

Mendelics
Classification: Uncertain significance. Last evaluated: 2022-05-04. Review status: criteria provided, single submitter. Criteria: Mendelics Assertion Criteria 2019. Collection method: clinical testing. Allele origin: germline.

OMIM
Classification: Pathogenic for PSEUDOACHONDROPLASIA. Last evaluated: 1995-07-01. Review status: no assertion criteria provided. Collection method: literature only. Allele origin: germline. Not counted in ClinVar's aggregate classification.

Literature cited by the submitters: PubMed 7670471 (cited by Labcorp Genetics (formerly Invitae), Labcorp and OMIM).

NM_000095.3(COMP):c.1403G>A (p.Cys468Tyr)

Gene: COMP (cartilage oligomeric matrix protein; minus strand). Cytogenetic location: 19p13.11.
Variant type: single nucleotide variant.
Coding change: c.1403G>A on transcript NM_000095.3 (MANE Select); coding-DNA position 1403, G replaced by A.
Protein change: p.Cys468Tyr; replaces cysteine 468 with tyrosine.
Molecular consequence: missense variant.
Genome position (GRCh38, 1-based): chr19:18,786,051, C>T on the plus strand (G>A on the coding strand, the complement: COMP is on the minus strand). VCF-style: chr19-18786051-C-T. GRCh37 (hg19) VCF-style: chr19-18896861-C-T.
Other names: short protein forms C468Y.
Identifiers: ClinVar variation 9184 (VCV000009184.7), dbSNP rs137852651, ClinGen allele CA254701.